The following is an entry in ClinVar:

NM_000326.5(RLBP1):c.795+9G>A

Gene: RLBP1 (retinaldehyde binding protein 1; minus strand). Cytogenetic location: 15q26.1.
Variant type: single nucleotide variant.
Coding change: c.795+9G>A on transcript NM_000326.5 (MANE Select); 9 bases into the intron after coding-DNA position 795, G replaced by A.
Molecular consequence: intron variant.
Genome position (GRCh38, 1-based): chr15:89,210,690, C>T on the plus strand (G>A on the coding strand, the complement: RLBP1 is on the minus strand). VCF-style: chr15-89210690-C-T. GRCh37 (hg19) VCF-style: chr15-89753921-C-T.
Other names: c.795+9G>A (NM_000326.4).
Identifiers: ClinVar variation 1577066 (VCV001577066.10), dbSNP rs371507954, ClinGen allele CA7722191.
Genomic context (GRCh38, chr15:89,210,690, plus strand): 5'-GAGGAGGGCTCAGGTGAGGCCCCACCCTCAGCCCTCTTGTCTCATTGTCTGGGCGGCCCA[C>T]GTACTCACCCTCTCAAGCAGCTTGCTCTTCAAGAAGGGCTTGACCACATTGTAGGTCGTG-3'

ClinVar aggregate classification (germline): Benign/Likely benign. Review status: criteria provided, multiple submitters, no conflicts (2 of 4 stars). 3 submissions from 3 submitters: Benign (1); Likely benign (2). Last evaluated 2026-02-01.

Conditions:
RLBP1-related disorder. Also called: RLBP1-related condition; RLBP1-related disorders. Identifiers: MedGen CN239413.

Allele frequency attached by ClinVar (database versions not stated): gnomAD exomes 0.00018; 1000 Genomes Project 0.00040; ExAC 0.00042; 1000 Genomes Project 30x 0.00047; TOPMed 0.00001; gnomAD 0.00005; ESP Exome Variant Server 0.00008.

Submissions (3):

Labcorp Genetics (formerly Invitae), Labcorp
Classification: Benign. Last evaluated: 2026-02-01. Review status: criteria provided, single submitter. Criteria: Invitae Variant Classification Sherloc (09022015). Collection method: clinical testing. Allele origin: germline.

PreventionGenetics, part of Exact Sciences
Classification: Likely benign for RLBP1-related condition. Last evaluated: 2025-05-08. Review status: criteria provided, single submitter. Criteria: ACMG Guidelines, 2015. Collection method: clinical testing. Allele origin: germline.
Comment: This variant is classified as likely benign based on ACMG/AMP sequence variant interpretation guidelines (Richards et al. 2015 PMID: 25741868, with internal and published modifications).

Blueprint Genetics
Classification: Likely benign. Last evaluated: 2022-03-30. Review status: criteria provided, single submitter. Criteria: ACMG Guidelines, 2015. Collection method: clinical testing. Allele origin: germline.